The following is an entry in ClinVar:

NM_000059.4(BRCA2):c.1969T>C (p.Leu657=)

Gene: BRCA2 (BRCA2 DNA repair associated; plus strand). Cytogenetic location: 13q13.1.
Variant type: single nucleotide variant.
Coding change: c.1969T>C on transcript NM_000059.4 (MANE Select); coding-DNA position 1969, T replaced by C.
Protein change: p.Leu657=; no amino-acid change (leucine 657 retained).
Molecular consequence: synonymous variant. On other transcripts: non-coding transcript variant (1), intron variant (2).
Genome position (GRCh38, 1-based): chr13:32,336,324, T>C. VCF-style: chr13-32336324-T-C. GRCh37 (hg19) VCF-style: chr13-32910461-T-C.
Other names: c.1969T>C, p.Leu657= (NM_001406719.1, NM_001406720.1, NM_001432077.1); c.1909+2937T>C (NM_001406721.1); c.424+5294T>C (NM_001406722.1).
Identifiers: ClinVar variation 3386235 (VCV003386235.1).

ClinVar aggregate classification (germline): Likely benign (1 of 4 stars; one submission).

Conditions:
BRCA2-related cancer predisposition. Identifiers: MedGen CN377758, MONDO:0700269.

gnomAD v4.1: 1 of 1,603,876 alleles (0.000062%); highest among the groups gnomAD compares: Non-Finnish European, 0.000085%; no homozygotes.

Submission:

All of Us Research Program, National Institutes of Health
Classification: Likely benign for BRCA2-related cancer predisposition. Last evaluated: 2024-02-22. Review status: criteria provided, single submitter. Criteria: ACMG Guidelines, 2015. Collection method: clinical testing. Allele origin: germline. Inheritance: Autosomal dominant inheritance. Observed: 1 variant allele, 1 heterozygote.
Comment: This study involves interpretation of variants in research participants for the purpose of population health screening. Participant phenotype was not available at the time of variant classification. Additional details can be found in publication PMID: 35346344, PMCID: PMC8962531